The following is an entry in ClinVar:

ClinVar aggregate classification (germline): Likely benign (1 of 4 stars; one submission).

Allele frequency attached by ClinVar (database versions not stated): gnomAD 0.00001.

Submission:

CeGaT Center for Human Genetics Tuebingen
Classification: Likely benign. Last evaluated: 2022-08-01. Review status: criteria provided, single submitter. Criteria: CeGaT Center For Human Genetics Tuebingen Variant Classification Criteria Version 2. Collection method: clinical testing. Allele origin: germline. Affected: yes. Observed: 1 variant allele.
Comment: STUB1: BP4, BP7

NM_005861.4(STUB1):c.303G>T (p.Gly101=)

Gene: STUB1 (STIP1 homology and U-box containing protein 1; plus strand). Cytogenetic location: 16p13.3.
Variant type: single nucleotide variant.
Coding change: c.303G>T on transcript NM_005861.4 (MANE Select); coding-DNA position 303, G replaced by T.
Protein change: p.Gly101=; no amino-acid change (glycine 101 retained).
Molecular consequence: synonymous variant.
Genome position (GRCh38, 1-based): chr16:681,295, G>T. VCF-style: chr16-681295-G-T. GRCh37 (hg19) VCF-style: chr16-731295-G-T.
Other names: c.87G>T, p.Gly29= (NM_001293197.2).
Identifiers: ClinVar variation 2645845 (VCV002645845.24), dbSNP rs1375407071, ClinGen allele CA493008367.